The following is an entry in ClinVar:

ClinVar aggregate classification (germline): Benign/Likely benign. Review status: criteria provided, multiple submitters, no conflicts (2 of 4 stars). 4 submissions from 4 submitters: Benign (2); Likely benign (2). Last evaluated 2026-01-27.

Allele frequency attached by ClinVar (database versions not stated): gnomAD exomes 0.00124 and 0.00323; ExAC 0.00393; gnomAD 0.01337 and 0.01435; ESP Exome Variant Server 0.01415; 1000 Genomes Project 0.01418; TOPMed 0.01433; 1000 Genomes Project 30x 0.01515.
gnomAD v4.1: 3,912 of 1,613,996 alleles (0.24%); highest among the groups gnomAD compares: African/African-American, 4.6%; 87 homozygotes.

Submissions (4):

Labcorp Genetics (formerly Invitae), Labcorp
Classification: Benign. Last evaluated: 2026-01-27. Review status: criteria provided, single submitter. Criteria: Invitae Variant Classification Sherloc (09022015). Collection method: clinical testing. Allele origin: germline.

Mayo Clinic Laboratories, Mayo Clinic
Classification: Benign. Last evaluated: 2023-09-19. Review status: criteria provided, single submitter. Criteria: ACMG Guidelines, 2015. Collection method: clinical testing. Allele origin: germline. Observed: 4 variant alleles.
Comment: BA1, BS2, BP4, BP7

GeneDx
Classification: Likely benign. Last evaluated: 2020-03-11. Review status: criteria provided, single submitter. Criteria: GeneDx Variant Classification Process June 2021. Collection method: clinical testing. Allele origin: germline. Affected: yes.

Breakthrough Genomics
Classification: Likely benign. Review status: criteria provided, single submitter. Criteria: ACMG Guidelines, 2015. Collection method: not provided. Allele origin: germline. Inheritance: Autosomal recessive inheritance. Affected: yes.

NM_015135.3(NUP205):c.1818C>T (p.Thr606=)

Gene: NUP205 (nucleoporin 205; plus strand). Cytogenetic location: 7q33.
Variant type: single nucleotide variant.
Coding change: c.1818C>T on transcript NM_015135.3 (MANE Select); coding-DNA position 1818, C replaced by T.
Protein change: p.Thr606=; no amino-acid change (threonine 606 retained).
Molecular consequence: synonymous variant.
Genome position (GRCh38, 1-based): chr7:135,593,180, C>T. VCF-style: chr7-135593180-C-T. GRCh37 (hg19) VCF-style: chr7-135277928-C-T.
Other names: p.Thr606=; c.744C>T, p.Thr248= (NM_001329434.2).
Identifiers: ClinVar variation 787870 (VCV000787870.13), dbSNP rs78913303, ClinGen allele CA4498181.
Genomic context (GRCh38, chr7:135,593,180, plus strand): 5'-CCGTGGCATCACCCAGAAGGAGCAAGATGGATTGATTGCTTTTTTGCAGCTCACGTCTAC[C>T]ATCATTACTTGGGTAGGTAACTCATCCCCAGCATAATTTTATTTTTATTATAGCACAGTA-3'
Protein context (NP_055950.2, residues 596-616): GLIAFLQLTS[Thr606=]IITWSENARL